The following is an entry in ClinVar:

ClinVar aggregate classification (germline): Uncertain significance (1 of 4 stars; one submission).

Conditions:
Hereditary cancer-predisposing syndrome. Also called: Hereditary Cancer Syndrome; Hereditary neoplastic syndrome; Tumor predisposition; Neoplastic Syndromes, Hereditary. Identifiers: Orphanet 140162, MedGen C0027672, MeSH D009386, MONDO:0015356.
Cardiovascular phenotype. Identifiers: MedGen CN230736.

gnomAD v4.1: 1 of 1,600,294 alleles (0.000062%); highest among the groups gnomAD compares: African/African-American, 0.0013%; no homozygotes.

Submission:

Ambry Genetics
Classification: Uncertain significance for Cardiovascular phenotype; Hereditary cancer-predisposing syndrome. Last evaluated: 2024-09-21. Review status: criteria provided, single submitter. Criteria: Ambry Variant Classification Scheme 2023. Collection method: clinical testing. Allele origin: germline.
Comment: The p.M525R variant (also known as c.1574T>G), located in coding exon 14 of the LZTR1 gene, results from a T to G substitution at nucleotide position 1574. The methionine at codon 525 is replaced by arginine, an amino acid with similar properties. This amino acid position is conserved. In addition, this alteration is predicted to be deleterious by in silico analysis. Based on the available evidence, the clinical significance of this variant remains unclear.

NM_006767.4(LZTR1):c.1574T>G (p.Met525Arg)

Gene: LZTR1 (leucine zipper like post translational regulator 1; plus strand). Cytogenetic location: 22q11.21.
Variant type: single nucleotide variant.
Coding change: c.1574T>G on transcript NM_006767.4 (MANE Select); coding-DNA position 1574, T replaced by G.
Protein change: p.Met525Arg; replaces methionine 525 with arginine.
Molecular consequence: missense variant.
Genome position (GRCh38, 1-based): chr22:20,994,228, T>G. VCF-style: chr22-20994228-T-G. GRCh37 (hg19) VCF-style: chr22-21348517-T-G.
Other names: short protein forms M525R.
Identifiers: ClinVar variation 3541632 (VCV003541632.1).